The following is an entry in ClinVar:

ClinVar aggregate classification (germline): Uncertain significance (1 of 4 stars; one submission).

Conditions:
Branchiootic syndrome 3 (BOS3). Also called: BO SYNDROME 3. Identifiers: MedGen C1842124, MONDO:0012025, OMIM 608389.
Autosomal dominant nonsyndromic hearing loss 23. Identifiers: Orphanet 90635, MedGen C1854594, MONDO:0011519, OMIM 605192.

Submission:

Labcorp Genetics (formerly Invitae), Labcorp
Classification: Uncertain significance for Autosomal dominant nonsyndromic hearing loss 23; Branchiootic syndrome 3. Last evaluated: 2024-10-24. Review status: criteria provided, single submitter. Criteria: Invitae Variant Classification Sherloc (09022015). Collection method: clinical testing. Allele origin: germline.
Comment: This sequence change results in a frameshift in the SIX1 gene (p.Gly273Argfs*33). While this is not anticipated to result in nonsense mediated decay, it is expected to disrupt the last 12 amino acid(s) of the SIX1 protein and extend the protein by 20 additional amino acid residues. This variant is not present in population databases (gnomAD no frequency). This variant has not been reported in the literature in individuals affected with SIX1-related conditions. Experimental studies and prediction algorithms are not available or were not evaluated, and the functional significance of this variant is currently unknown. In summary, the available evidence is currently insufficient to determine the role of this variant in disease. Therefore, it has been classified as a Variant of Uncertain Significance.

NM_005982.4(SIX1):c.816dup (p.Gly273fs)

Gene: SIX1 (SIX homeobox 1; minus strand). Cytogenetic location: 14q23.1.
Variant type: Duplication.
Coding change: c.816dup on transcript NM_005982.4 (MANE Select); coding-DNA position 816, one base duplicated (C; older notation c.816dupC).
Protein change: p.Gly273fs; shifts the reading frame from glycine 273.
Molecular consequence: frameshift variant.
Genome position (GRCh38, 1-based): chr14:60,646,322, G duplicated on the plus strand (C on the coding strand, the reverse complement: SIX1 is on the minus strand). VCF-style (leftmost placement, unchanged base first): chr14-60646321-C-CG. GRCh37 (hg19) VCF-style: chr14-61113039-C-CG.
Other names: c.*235dup (NM_001425142.1); short protein forms G273fs.
Identifiers: ClinVar variation 2953634 (VCV002953634.3), dbSNP rs2502639062, ClinGen allele CA2740097095.